The following is an entry in ClinVar:

NM_001037131.3(AGAP1):c.496C>T (p.Arg166Trp)

Gene: AGAP1 (ArfGAP with GTPase domain, ankyrin repeat and PH domain 1; plus strand). Cytogenetic location: 2q37.2.
Variant type: single nucleotide variant.
Coding change: c.496C>T on transcript NM_001037131.3 (MANE Select); coding-DNA position 496, C replaced by T.
Protein change: p.Arg166Trp; replaces arginine 166 with tryptophan.
Molecular consequence: missense variant.
Genome position (GRCh38, 1-based): chr2:235,744,797, C>T. VCF-style: chr2-235744797-C-T. GRCh37 (hg19) VCF-style: chr2-236653441-C-T.
Other names: c.496C>T, p.Arg166Trp (NM_001244888.2, NM_001412122.1, NM_014914.5); short protein forms R166W.
Identifiers: ClinVar variation 2898863 (VCV002898863.3), dbSNP rs753542683, ClinGen allele CA2184398.

ClinVar aggregate classification (germline): Uncertain significance (1 of 4 stars; one submission).

Allele frequency attached by ClinVar (database versions not stated): ExAC 0.00001; gnomAD 0.00001; TOPMed 0.00001.

Submission:

Labcorp Genetics (formerly Invitae), Labcorp
Classification: Uncertain significance. Last evaluated: 2023-10-03. Review status: criteria provided, single submitter. Criteria: Invitae Variant Classification Sherloc (09022015). Collection method: clinical testing. Allele origin: germline.
Comment: This sequence change replaces arginine, which is basic and polar, with tryptophan, which is neutral and slightly polar, at codon 166 of the AGAP1 protein (p.Arg166Trp). This variant is present in population databases (rs753542683, gnomAD 0.005%). This variant has not been reported in the literature in individuals affected with AGAP1-related conditions. An algorithm developed to predict the effect of missense changes on protein structure and function (PolyPhen-2) suggests that this variant is likely to be disruptive. In summary, the available evidence is currently insufficient to determine the role of this variant in disease. Therefore, it has been classified as a Variant of Uncertain Significance.